The following is an entry in ClinVar:

ClinVar aggregate classification (germline): Likely pathogenic (1 of 4 stars; one submission).

Conditions:
Charcot-Marie-Tooth disease axonal type 2V. Also called: CHARCOT-MARIE-TOOTH NEUROPATHY, TYPE 2V; CHARCOT-MARIE-TOOTH DISEASE, AXONAL, AUTOSOMAL DOMINANT, TYPE 2V. Identifiers: Orphanet 447964, MedGen C5569050, MONDO:0014665, OMIM 616491.
Mucopolysaccharidosis, MPS-III-B (MPS3B). Also called: N-ACETYL-ALPHA-D-GLUCOSAMINIDASE DEFICIENCY; NAGLU DEFICIENCY; SANFILIPPO SYNDROME B; MPS III B; Mucopolysaccharidosis type IIIB (Sanfilippo B); MUCOPOLYSACCHARIDOSIS, TYPE IIIB. Identifiers: Orphanet 79270, MedGen C0086648, MONDO:0009656, OMIM 252920.

Submission:

Labcorp Genetics (formerly Invitae), Labcorp
Classification: Likely pathogenic for Charcot-Marie-Tooth disease axonal type 2V; Mucopolysaccharidosis, MPS-III-B. Last evaluated: 2024-05-01. Review status: criteria provided, single submitter. Criteria: Invitae Variant Classification Sherloc (09022015). Collection method: clinical testing. Allele origin: germline.
Comment: This sequence change replaces arginine, which is basic and polar, with serine, which is neutral and polar, at codon 674 of the NAGLU protein (p.Arg674Ser). This variant is not present in population databases (gnomAD no frequency). This variant has not been reported in the literature in individuals affected with NAGLU-related conditions. Advanced modeling of protein sequence and biophysical properties (such as structural, functional, and spatial information, amino acid conservation, physicochemical variation, residue mobility, and thermodynamic stability) performed at Invitae indicates that this missense variant is expected to disrupt NAGLU protein function with a positive predictive value of 95%. This variant disrupts the p.Arg674 amino acid residue in NAGLU. Other variant(s) that disrupt this residue have been determined to be pathogenic (PMID: 8650226, 9443875, 9443878, 9950362, 20852935). This suggests that this residue is clinically significant, and that variants that disrupt this residue are likely to be disease-causing. In summary, the currently available evidence indicates that the variant is pathogenic, but additional data are needed to prove that conclusively. Therefore, this variant has been classified as Likely Pathogenic.

Literature cited by the submitters: PubMed 8650226; PubMed 9443875; PubMed 9443878; PubMed 9950362; PubMed 20852935.

NM_000263.4(NAGLU):c.2020C>A (p.Arg674Ser)

Gene: NAGLU (N-acetyl-alpha-glucosaminidase; plus strand). Cytogenetic location: 17q21.2.
Variant type: single nucleotide variant.
Coding change: c.2020C>A on transcript NM_000263.4 (MANE Select); coding-DNA position 2020, C replaced by A.
Protein change: p.Arg674Ser; replaces arginine 674 with serine.
Molecular consequence: missense variant.
Genome position (GRCh38, 1-based): chr17:42,544,026, C>A. VCF-style: chr17-42544026-C-A. GRCh37 (hg19) VCF-style: chr17-40696044-C-A.
Other names: short protein forms R674S.
Identifiers: ClinVar variation 3756134 (VCV003756134.2).